The following is an entry in ClinVar:

ClinVar aggregate classification (germline): Uncertain significance. Review status: criteria provided, multiple submitters, no conflicts (2 of 4 stars). 4 submissions from 4 submitters: Uncertain significance (3). 1 of the submissions does not count toward it. Last evaluated 2025-03-04.

Conditions:
Hereditary cancer-predisposing syndrome. Also called: Neoplastic Syndromes, Hereditary; Tumor predisposition; Hereditary neoplastic syndrome; Hereditary Cancer Syndrome. Identifiers: Orphanet 140162, MedGen C0027672, MeSH D009386, MONDO:0015356.
BARD1-related disorder. Also called: BARD1-related condition.
Familial cancer of breast. Also called: BREAST CANCER, FAMILIAL; Hereditary breast cancer; hereditary breast carcinoma. Identifiers: Orphanet 227535, MedGen C0346153, MONDO:0016419, OMIM 114480. Disease mechanism: loss of function.

Allele frequency attached by ClinVar (database versions not stated): gnomAD exomes below 0.00001.
gnomAD v4.1: 2 of 1,551,078 alleles (0.00013%); highest among the groups gnomAD compares: South Asian, 0.0012%; no homozygotes.

Submissions (4):

Center for Genomic Medicine, Rigshospitalet, Copenhagen University Hospital
Classification: Uncertain significance. Last evaluated: 2025-03-04. Review status: criteria provided, single submitter. Criteria: ACMG Guidelines, 2015. Collection method: clinical testing. Allele origin: germline.

Ambry Genetics
Classification: Uncertain significance for Hereditary cancer-predisposing syndrome. Last evaluated: 2024-12-14. Review status: criteria provided, single submitter. Criteria: Ambry Variant Classification Scheme 2023. Collection method: clinical testing. Allele origin: germline.
Comment: The p.P2L variant (also known as c.5C>T), located in coding exon 1 of the BARD1 gene, results from a C to T substitution at nucleotide position 5. The proline at codon 2 is replaced by leucine, an amino acid with similar properties. This amino acid position is not well conserved in available vertebrate species. In addition, the in silico prediction for this alteration is inconclusive. Since supporting evidence is limited at this time, the clinical significance of this alteration remains unclear.

Labcorp Genetics (formerly Invitae), Labcorp
Classification: Uncertain significance for Familial cancer of breast. Last evaluated: 2022-11-01. Review status: criteria provided, single submitter. Criteria: Invitae Variant Classification Sherloc (09022015). Collection method: clinical testing. Allele origin: germline.
Comment: In summary, the available evidence is currently insufficient to determine the role of this variant in disease. Therefore, it has been classified as a Variant of Uncertain Significance. Algorithms developed to predict the effect of missense changes on protein structure and function output the following: SIFT: "Deleterious"; PolyPhen-2: "Possibly Damaging"; Align-GVGD: "Class C0". The leucine amino acid residue is found in multiple mammalian species, which suggests that this missense change does not adversely affect protein function. ClinVar contains an entry for this variant (Variation ID: 826113). This variant has not been reported in the literature in individuals affected with BARD1-related conditions. This variant is not present in population databases (gnomAD no frequency). This sequence change replaces proline, which is neutral and non-polar, with leucine, which is neutral and non-polar, at codon 2 of the BARD1 protein (p.Pro2Leu).

PreventionGenetics, part of Exact Sciences
Classification: Uncertain significance for BARD1-related condition. Last evaluated: 2024-09-25. Review status: no assertion criteria provided. Collection method: clinical testing. Allele origin: germline. Not counted in ClinVar's aggregate classification.
Comment: The BARD1 c.5C>T variant is predicted to result in the amino acid substitution p.Pro2Leu. To our knowledge, this variant has not been reported in the literature or in a large population database, indicating this variant is rare. This variant is interpreted as uncertain in ClinVar. At this time, the clinical significance of this variant is uncertain due to the absence of conclusive functional and genetic evidence.

NM_000465.4(BARD1):c.5C>T (p.Pro2Leu)

Gene: BARD1 (BRCA1 associated RING domain 1; minus strand). Cytogenetic location: 2q35.
Variant type: single nucleotide variant.
Coding change: c.5C>T on transcript NM_000465.4 (MANE Select); coding-DNA position 5, C replaced by T.
Protein change: p.Pro2Leu; replaces proline 2 with leucine.
Molecular consequence: missense variant. On other transcripts: non-coding transcript variant (3).
Genome position (GRCh38, 1-based): chr2:214,809,565, G>A on the plus strand (C>T on the coding strand, the complement: BARD1 is on the minus strand). VCF-style: chr2-214809565-G-A. GRCh37 (hg19) VCF-style: chr2-215674289-G-A.
Other names: c.5C>T, p.Pro2Leu (NM_001282543.2, NM_001282545.2, NM_001282548.2 and 1 more transcripts); c.5C>T (NM_000465.3); short protein forms P2L.
Identifiers: ClinVar variation 826113 (VCV000826113.16), dbSNP rs1574870182, ClinGen allele CA350465514.